The following is an entry in ClinVar:

ClinVar aggregate classification (germline): Uncertain significance. Review status: criteria provided, multiple submitters, no conflicts (2 of 4 stars). 5 submissions from 5 submitters: Uncertain significance (4). 1 of the submissions does not count toward it. Last evaluated 2023-11-11.

Conditions:
CFTR-related disorder (CFTR-RD). Also called: CFTR-related disorders; CFTR-related condition. Identifiers: MedGen C5924204, MONDO:7770004.
Cystic fibrosis (CF). Also called: MUCOVISCIDOSIS. Identifiers: Orphanet 586, MedGen C0010674, MONDO:0009061, OMIM 219700. Disease mechanism: loss of function.

Allele frequency attached by ClinVar (database versions not stated): ExAC 0.00002; gnomAD exomes 0.00001 and below 0.00001; TOPMed 0.00001.
gnomAD v4.1: 5 of 1,613,594 alleles (0.00031%); highest among the groups gnomAD compares: African/African-American, 0.0067%; no homozygotes.

Submissions (5):

Ambry Genetics
Classification: Uncertain significance for Cystic fibrosis. Last evaluated: 2023-11-11. Review status: criteria provided, single submitter. Criteria: Ambry Variant Classification Scheme 2023. Collection method: clinical testing. Allele origin: germline.
Comment: The p.L1254F variant (also known as c.3762A>T), located in coding exon 23 of the CFTR gene, results from an A to T substitution at nucleotide position 3762. The leucine at codon 1254 is replaced by phenylalanine, an amino acid with highly similar properties. This amino acid position is conserved. In addition, the in silico prediction for this alteration is inconclusive. Since supporting evidence is limited at this time, the clinical significance of this alteration remains unclear.

Genome-Nilou Lab
Classification: Uncertain significance for Cystic fibrosis. Last evaluated: 2021-09-05. Review status: criteria provided, single submitter. Criteria: ACMG Guidelines, 2015. Collection method: clinical testing. Allele origin: germline. Affected: no.

Labcorp Genetics (formerly Invitae), Labcorp
Classification: Uncertain significance for Cystic fibrosis. Last evaluated: 2021-08-13. Review status: criteria provided, single submitter. Criteria: Invitae Variant Classification Sherloc (09022015). Collection method: clinical testing. Allele origin: germline.
Comment: This sequence change replaces leucine with phenylalanine at codon 1254 of the CFTR protein (p.Leu1254Phe). The leucine residue is moderately conserved and there is a small physicochemical difference between leucine and phenylalanine. This variant is present in population databases (rs768411899, ExAC 0.02%). This variant has not been reported in the literature in individuals affected with CFTR-related conditions. Algorithms developed to predict the effect of missense changes on protein structure and function (SIFT, PolyPhen-2, Align-GVGD) all suggest that this variant is likely to be tolerated. In summary, the available evidence is currently insufficient to determine the role of this variant in disease. Therefore, it has been classified as a Variant of Uncertain Significance.

Quest Diagnostics Nichols Institute San Juan Capistrano
Classification: Uncertain significance. Last evaluated: 2020-06-18. Review status: criteria provided, single submitter. Criteria: Quest Diagnostics criteria. Collection method: clinical testing. Allele origin: unknown.

Natera, Inc.
Classification: Uncertain significance for CFTR-related disorders. Last evaluated: 2018-12-26. Review status: no assertion criteria provided. Collection method: clinical testing. Allele origin: germline. Not counted in ClinVar's aggregate classification.

NM_000492.4(CFTR):c.3762A>T (p.Leu1254Phe)

Genes: CFTR (CF transmembrane conductance regulator; plus strand), CFTR-AS2 (CFTR antisense RNA 2; minus strand). Cytogenetic location: 7q31.2.
Variant type: single nucleotide variant.
Coding change: c.3762A>T on transcript NM_000492.4 (MANE Select); coding-DNA position 3762, A replaced by T.
Protein change: p.Leu1254Phe; replaces leucine 1254 with phenylalanine.
Molecular consequence: missense variant.
Genome position (GRCh38, 1-based): chr7:117,642,482, A>T. VCF-style: chr7-117642482-A-T. GRCh37 (hg19) VCF-style: chr7-117282536-A-T.
Other names: short protein forms L1254F.
Identifiers: ClinVar variation 969873 (VCV000969873.11), dbSNP rs768411899, ClinGen allele CA4451542.